The following is an entry in ClinVar:

NM_020821.3(VPS13C):c.5698C>T (p.Gln1900Ter)

Gene: VPS13C (vacuolar protein sorting 13 homolog C; minus strand). Cytogenetic location: 15q22.2.
Variant type: single nucleotide variant.
Coding change: c.5698C>T on transcript NM_020821.3 (MANE Select); coding-DNA position 5698, C replaced by T.
Protein change: p.Gln1900Ter; replaces glutamine 1900 with a stop codon.
Molecular consequence: nonsense.
Genome position (GRCh38, 1-based): chr15:61,936,654, G>A on the plus strand (C>T on the coding strand, the complement: VPS13C is on the minus strand). VCF-style: chr15-61936654-G-A. GRCh37 (hg19) VCF-style: chr15-62228853-G-A.
Other names: c.5698C>T, p.Gln1900Ter (NM_001018088.3); c.5569C>T, p.Gln1857Ter (NM_017684.5, NM_018080.4); short protein forms Q1857*, Q1900*.
Identifiers: ClinVar variation 3075814 (VCV003075814.1), dbSNP rs1555423941, ClinGen allele CA392689528.
Genomic context (GRCh38, chr15:61,936,654, plus strand): 5'-TACCTTTGAGATGGTCAGGTACACTTGAAACATCAACTTTTCTCACTCTTACAGTCTCCT[G>A]CACAGACTGTGTAGGGCTTGGTTGTGAGGAAGCTTCTCCAAGATTTTCTAGCAAAATTTT-3'

ClinVar aggregate classification (germline): Likely pathogenic (1 of 4 stars; one submission).

Conditions:
Young-onset Parkinson disease. Identifiers: Orphanet 2828, MedGen C4275179, MONDO:0017279.

Submission:

Laboratory for Molecular Medicine, Mass General Brigham Personalized Medicine
Classification: Likely pathogenic for Young-onset Parkinson disease. Last evaluated: 2020-08-11. Review status: criteria provided, single submitter. Criteria: ACMG Guidelines, 2015. Collection method: clinical testing. Allele origin: germline.
Comment: The p.Gln1900X variant in VPS13C has not been reported in individuals with disease and was absent from large population studies. This nonsense variant leads to a premature termination codon at position 1900, which is predicted to lead to a truncated or absent protein. Loss of function of the VPS13C gene has been recently associated with autosomal recessive early onset parkinsonism (Schormair 2018; Lesage 2016; Darvish 2018). In summary, although additional studies are required to fully establish its clinical significance, this variant meets criteria to be classified as likely pathogenic for autosomal recessive parkinsonism. ACMG/AMP Criteria applied: PM2, PVS1_Strong.